The following is an entry in ClinVar:

NC_000012.11:g.(?_88452605)_(88525015_?)del

Gene: CEP290 (centrosomal protein 290; minus strand). Cytogenetic location: 12q21.32.
Variant type: Deletion.
Identifiers: ClinVar variation 3244274 (VCV003244274.1).

ClinVar aggregate classification (germline): Pathogenic (1 of 4 stars; one submission).

Conditions:
Joubert syndrome. Also called: CEREBELLOPARENCHYMAL DISORDER IV; JOUBERT-BOLTSHAUSER SYNDROME; Familial aplasia of the vermis. Identifiers: Orphanet 475, MedGen C5979921, MONDO:0018772.
Nephronophthisis. Also called: Juvenile Nephronophthisis. Identifiers: Orphanet 655, MedGen C0687120, MONDO:0019005, HP:0000090.
Meckel-Gruber syndrome. Also called: DYSENCEPHALIA SPLANCHNOCYSTICA; GRUBER SYNDROME; Dysencephalia splachnocystica. Identifiers: Orphanet 564, MedGen C0265215, MONDO:0018921.

Submission:

Labcorp Genetics (formerly Invitae), Labcorp
Classification: Pathogenic for Joubert syndrome; Meckel-Gruber syndrome; Nephronophthisis. Last evaluated: 2023-03-04. Review status: criteria provided, single submitter. Criteria: Invitae Variant Classification Sherloc (09022015). Collection method: clinical testing. Allele origin: unknown.
Comment: For these reasons, this variant has been classified as Pathogenic. This variant has not been reported in the literature in individuals affected with CEP290-related conditions. This variant is a gross deletion of the genomic region encompassing exon(s) 7-49 of the CEP290 gene. This deletion is out-of-frame, and is expected to create a premature termination codon and result in an absent or disrupted protein product. Loss-of-function variants in CEP290 are known to be pathogenic (PMID: 16909394, 17345604, 20690115).

Literature cited by the submitters: PubMed 16909394; PubMed 17345604; PubMed 20690115.